The following is an entry in ClinVar:

NM_000543.5(SMPD1):c.338dup (p.Val114fs)

Gene: SMPD1 (sphingomyelin phosphodiesterase 1; plus strand). Cytogenetic location: 11p15.4.
Variant type: Duplication.
Coding change: c.338dup on transcript NM_000543.5 (MANE Select); coding-DNA position 338, one base duplicated (G; older notation c.338dupG).
Protein change: p.Val114fs; shifts the reading frame from valine 114.
Molecular consequence: frameshift variant. On other transcripts: 5 prime UTR variant (1), non-coding transcript variant (2).
Genome position (GRCh38, 1-based): chr11:6,391,403, G duplicated. VCF-style (leftmost placement, unchanged base first): chr11-6391402-C-CG. GRCh37 (hg19) VCF-style: chr11-6412632-C-CG.
Other names: c.335dup, p.Val113fs (NM_001007593.3); c.338dup, p.Val114fs (NM_001318087.2, NM_001365135.2); c.-624dup (NM_001318088.2); short protein forms V113fs, V114fs.
Identifiers: ClinVar variation 5013334 (VCV005013334.1).

ClinVar aggregate classification (germline): Pathogenic (1 of 4 stars; one submission).

Conditions:
Acid sphingomyelinase deficiency. Identifiers: Orphanet 618899, MedGen C5243927, MONDO:0100464.

Submission:

Myriad Genetics, Inc.
Classification: Pathogenic for Acid sphingomyelinase deficiency. Last evaluated: 2024-07-20. Review status: criteria provided, single submitter. Criteria: Myriad Autosomal Dominant, Autosomal Recessive and X-Linked Classification Criteria (2023). Collection method: clinical testing. Allele origin: unknown.
Comment: NM_000543.4(SMPD1):c.338dupG(V114Rfs*28) is expected to be pathogenic in the context of Niemann-Pick disease, SMPD1-related. This variant is predicted to lead to an abnormal or absent protein product due to the creation of a premature termination codon in SMPD1, a gene where loss-of-function variants are known to be pathogenic. Please note: this variant was assessed in the context of healthy population screening.